The following is an entry in ClinVar:

ClinVar aggregate classification (germline): Pathogenic (1 of 4 stars; one submission).

Conditions:
Autosomal dominant polycystic kidney disease. Identifiers: Orphanet 730, MedGen C0085413, MONDO:0004691.

Submission:

Labcorp Genetics (formerly Invitae), Labcorp
Classification: Pathogenic for Autosomal dominant polycystic kidney disease. Last evaluated: 2020-09-23. Review status: criteria provided, single submitter. Criteria: Invitae Variant Classification Sherloc (09022015). Collection method: clinical testing. Allele origin: germline.
Comment: Donor and acceptor splice site variants typically lead to a loss of protein function (PMID: 16199547), and loss-of-function variants in PKD2 are known to be pathogenic (PMID: 17582161, 22863349). Algorithms developed to predict the effect of sequence changes on RNA splicing suggest that this variant may disrupt the consensus splice site, but this prediction has not been confirmed by published transcriptional studies. Disruption of this splice site has been observed in individual(s) with autosomal dominant polycystic kidney disease (PMID: 12707387, 22508176, 31740684). This variant is also known as IVS1+1G>A in the literature. The frequency data for this variant in the population databases is considered unreliable, as metrics indicate insufficient coverage at this position in the ExAC database. This sequence change affects a donor splice site in intron 1 of the PKD2 gene. It is expected to disrupt RNA splicing and likely results in an absent or disrupted protein product. For these reasons, this variant has been classified as Pathogenic.

Literature cited by the submitters: PubMed 16199547; PubMed 17582161; PubMed 22863349; PubMed 12707387; PubMed 22508176; PubMed 31740684.

NM_000297.4(PKD2):c.595+1G>A

Gene: PKD2 (polycystin 2, transient receptor potential cation channel; plus strand). Cytogenetic location: 4q22.1.
Variant type: single nucleotide variant.
Coding change: c.595+1G>A on transcript NM_000297.4 (MANE Select); the canonical splice donor site of the intron after coding-DNA position 595, G replaced by A.
Molecular consequence: splice donor variant.
Genome position (GRCh38, 1-based): chr4:88,008,329, G>A. VCF-style: chr4-88008329-G-A. GRCh37 (hg19) VCF-style: chr4-88929481-G-A.
Identifiers: ClinVar variation 1072849 (VCV001072849.9), dbSNP rs1578111778, ClinGen allele CA357627250.
Genomic context (GRCh38, chr4:88,008,329, plus strand): 5'-CCCTGGAAGGGCAGCCGCCCCGAGTGGCCTGGGCGGAGAGGCTGGTTCGCGGGCTGCGAG[G>A]TAAGAGCGCGCGACCCGCAGCGGCAGATGCACGAACCAGAACGGCCGGCGCCGGCCGGGG-3'